The following is an entry in ClinVar:

NM_004656.4(BAP1):c.833A>G (p.Glu278Gly)

Gene: BAP1 (BRCA1 associated deubiquitinase 1; minus strand). Cytogenetic location: 3p21.1.
Variant type: single nucleotide variant.
Coding change: c.833A>G on transcript NM_004656.4 (MANE Select); coding-DNA position 833, A replaced by G.
Protein change: p.Glu278Gly; replaces glutamic acid 278 with glycine.
Molecular consequence: missense variant.
Genome position (GRCh38, 1-based): chr3:52,405,863, T>C on the plus strand (A>G on the coding strand, the complement: BAP1 is on the minus strand). VCF-style: chr3-52405863-T-C. GRCh37 (hg19) VCF-style: chr3-52439879-T-C.
Other names: short protein forms E278G.
Identifiers: ClinVar variation 923725 (VCV000923725.4), dbSNP rs1705140078, ClinGen allele CA353106820.
Genomic context (GRCh38, chr3:52,405,863, plus strand): 5'-GCTTCCAGCACCAGCGGGGACTTGTTGCTGGCTGACTTGGACTCCTCAGGCAGCTGTGAC[T>C]CTTGAGACTTGTGGGTCTGAATCAGCTCTGGCTGTGTTACTCTTATCAGCTAACAACAGA-3'
Protein context (NP_004647.1, residues 268-288): PELIQTHKSQ[Glu278Gly]SQLPEESKSA

ClinVar aggregate classification (germline): Uncertain significance (1 of 4 stars; one submission).

Conditions:
Hereditary cancer-predisposing syndrome. Also called: Neoplastic Syndromes, Hereditary; Tumor predisposition; Hereditary Cancer Syndrome; Hereditary neoplastic syndrome. Identifiers: Orphanet 140162, MedGen C0027672, MeSH D009386, MONDO:0015356.

Submission:

Color Diagnostics, LLC DBA Color Health
Classification: Uncertain significance for Hereditary cancer-predisposing syndrome. Last evaluated: 2023-12-05. Review status: criteria provided, single submitter. Criteria: ACMG Guidelines, 2015. Collection method: clinical testing. Allele origin: germline.
Comment: This missense variant replaces glutamic acid with glycine at codon 278 of the BAP1 protein. Computational prediction suggests that this variant may not impact protein structure and function (internally defined REVEL score threshold <= 0.5, PMID: 27666373). To our knowledge, functional studies have not been reported for this variant. This variant has not been reported in individuals affected with BAP1-related disorders in the literature. This variant has not been identified in the general population by the Genome Aggregation Database (gnomAD). The available evidence is insufficient to determine the role of this variant in disease conclusively. Therefore, this variant is classified as a Variant of Uncertain Significance.